The following is an entry in ClinVar:

NM_024685.4(BBS10):c.1024dup (p.Ile342fs)

Gene: BBS10 (Bardet-Biedl syndrome 10; minus strand). Cytogenetic location: 12q21.2.
Variant type: Duplication.
Coding change: c.1024dup on transcript NM_024685.4 (MANE Select); coding-DNA position 1024, one base duplicated (A; older notation c.1024dupA).
Protein change: p.Ile342fs; shifts the reading frame from isoleucine 342.
Molecular consequence: frameshift variant.
Genome position (GRCh38, 1-based): chr12:76,346,961, T duplicated on the plus strand (A on the coding strand, the reverse complement: BBS10 is on the minus strand). VCF-style (leftmost placement, unchanged base first): chr12-76346960-A-AT. GRCh37 (hg19) VCF-style: chr12-76740740-A-AT.
Other names: c.1024dup, p.Ile342fs (LRG_1255t1); short protein forms I342fs.
Identifiers: ClinVar variation 217439 (VCV000217439.20), dbSNP rs869025210, ClinGen allele CA356961.

ClinVar aggregate classification (germline): Pathogenic/Likely pathogenic. Review status: criteria provided, multiple submitters, no conflicts (2 of 4 stars). 5 submissions from 5 submitters: Pathogenic (2); Likely pathogenic (2). 1 of the submissions does not count toward it. Last evaluated 2025-02-01.

Conditions:
BBS10-related disorder. Also called: BBS10-related condition.
Bardet-Biedl syndrome (BBS). Identifiers: Orphanet 110, MedGen C0752166, MONDO:0015229.
Bardet-Biedl syndrome 10 (BBS10). Identifiers: Orphanet 110, MedGen C1859568, MONDO:0014438, OMIM 615987.

Submissions (5):

CeGaT Center for Human Genetics Tuebingen
Classification: Likely pathogenic. Last evaluated: 2025-02-01. Review status: criteria provided, single submitter. Criteria: CeGaT Center For Human Genetics Tuebingen Variant Classification Criteria Version 2. Collection method: clinical testing. Allele origin: germline. Affected: yes. Observed: 1 variant allele.
Comment: BBS10: PVS1:Strong, PM2, PM3

Labcorp Genetics (formerly Invitae), Labcorp
Classification: Pathogenic for Bardet-Biedl syndrome. Last evaluated: 2023-03-07. Review status: criteria provided, single submitter. Criteria: Invitae Variant Classification Sherloc (09022015). Collection method: clinical testing. Allele origin: germline.
Comment: For these reasons, this variant has been classified as Pathogenic. This sequence change creates a premature translational stop signal (p.Ile342Asnfs*20) in the BBS10 gene. While this is not anticipated to result in nonsense mediated decay, it is expected to disrupt the last 382 amino acid(s) of the BBS10 protein. This variant is not present in population databases (gnomAD no frequency). This premature translational stop signal has been observed in individual(s) with autosomal recessive Bardet-Biedl syndrome (PMID: 26518167). ClinVar contains an entry for this variant (Variation ID: 217439). This variant disrupts a region of the BBS10 protein in which other variant(s) (p.Val707*) have been determined to be pathogenic (PMID: 20472660, 22773737, 25982971, 27486776; Invitae). This suggests that this is a clinically significant region of the protein, and that variants that disrupt it are likely to be disease-causing.

Department of Pathology and Laboratory Medicine, Sinai Health System
Classification: Likely pathogenic for Bardet-Biedl syndrome. Last evaluated: 2022-04-06. Review status: criteria provided, single submitter. Criteria: ACMG Guidelines, 2015. Collection method: research. Allele origin: germline.

Blueprint Genetics
Classification: Pathogenic for BBS10-related disorders. Last evaluated: 2019-06-18. Review status: criteria provided, single submitter. Criteria: ACMG Guidelines, 2015. Collection method: clinical testing. Allele origin: germline. Affected: yes. Observed: 3 variant alleles.

Department Of Medical Genetics, Faculty Of Medicine, Ege University
Classification: Pathogenic for Bardet-Biedl syndrome 10. Last evaluated: 2015-10-05. Review status: no assertion criteria provided. Collection method: research. Allele origin: inherited. Affected: yes. Not counted in ClinVar's aggregate classification.

Literature cited by the submitters: PubMed 26518167 (cited by Labcorp Genetics (formerly Invitae), Labcorp and Department Of Medical Genetics, Faculty Of Medicine, Ege University); PubMed 20472660 (cited by Labcorp Genetics (formerly Invitae), Labcorp); PubMed 22773737 (cited by Labcorp Genetics (formerly Invitae), Labcorp); PubMed 25982971 (cited by Labcorp Genetics (formerly Invitae), Labcorp); PubMed 27486776 (cited by Labcorp Genetics (formerly Invitae), Labcorp).